The following is an entry in ClinVar:

ClinVar aggregate classification (germline): Conflicting classifications of pathogenicity. Review status: criteria provided, conflicting classifications (1 of 4 stars). 3 submissions from 3 submitters: Uncertain significance (2); Likely benign (1). Last evaluated 2026-04-03.

Conditions:
Hereditary cancer-predisposing syndrome. Also called: Tumor predisposition; Hereditary Cancer Syndrome; Hereditary neoplastic syndrome; Neoplastic Syndromes, Hereditary. Identifiers: Orphanet 140162, MedGen C0027672, MeSH D009386, MONDO:0015356.
Ataxia-telangiectasia syndrome (AT). Also called: LOUIS-BAR SYNDROME; ATAXIA-TELANGIECTASIA, COMPLEMENTATION GROUP A; ATAXIA-TELANGIECTASIA, FRESNO VARIANT; Ataxia-telangiectasia; Ataxia telangiectasia (A-T); Cerebello-oculocutaneous telangiectasia. Identifiers: Orphanet 100, MedGen C0004135, MONDO:0008840, OMIM 208900.

Allele frequency attached by ClinVar (database versions not stated): TOPMed below 0.00001.

Submissions (3):

Ambry Genetics
Classification: Likely benign for Hereditary cancer-predisposing syndrome. Last evaluated: 2026-04-03. Review status: criteria provided, single submitter. Criteria: Ambry Variant Classification Scheme 2023. Collection method: clinical testing. Allele origin: germline.

Labcorp Genetics (formerly Invitae), Labcorp
Classification: Uncertain significance for Ataxia-telangiectasia syndrome. Last evaluated: 2024-04-15. Review status: criteria provided, single submitter. Criteria: Invitae Variant Classification Sherloc (09022015). Collection method: clinical testing. Allele origin: germline.
Comment: This sequence change replaces alanine, which is neutral and non-polar, with serine, which is neutral and polar, at codon 823 of the ATM protein (p.Ala823Ser). This variant is not present in population databases (gnomAD no frequency). This variant has not been reported in the literature in individuals affected with ATM-related conditions. ClinVar contains an entry for this variant (Variation ID: 186370). Algorithms developed to predict the effect of missense changes on protein structure and function output the following: SIFT: "Not Available"; PolyPhen-2: "Benign"; Align-GVGD: "Not Available". The serine amino acid residue is found in multiple mammalian species, which suggests that this missense change does not adversely affect protein function. In summary, the available evidence is currently insufficient to determine the role of this variant in disease. Therefore, it has been classified as a Variant of Uncertain Significance.

GeneDx
Classification: Uncertain significance. Last evaluated: 2023-12-27. Review status: criteria provided, single submitter. Criteria: GeneDx Variant Classification Process June 2021. Collection method: clinical testing. Allele origin: germline. Affected: yes.
Comment: Not observed at significant frequency in large population cohorts (gnomAD); In silico analysis supports that this missense variant does not alter protein structure/function; Has not been previously published as pathogenic or benign to our knowledge

Literature cited by the submitters: PubMed 40580951 (cited by Ambry Genetics).

NM_000051.4(ATM):c.2467G>T (p.Ala823Ser)

Gene: ATM (ATM serine/threonine kinase; plus strand). Cytogenetic location: 11q22.3.
Variant type: single nucleotide variant.
Coding change: c.2467G>T on transcript NM_000051.4 (MANE Select); coding-DNA position 2467, G replaced by T.
Protein change: p.Ala823Ser; replaces alanine 823 with serine.
Molecular consequence: missense variant.
Genome position (GRCh38, 1-based): chr11:108,267,171, G>T. VCF-style: chr11-108267171-G-T. GRCh37 (hg19) VCF-style: chr11-108137898-G-T.
Other names: c.2467G>T, p.Ala823Ser (NM_001351834.2); short protein forms A823S.
Identifiers: ClinVar variation 186370 (VCV000186370.14), dbSNP rs786202895, ClinGen allele CA194637.